The following is an entry in ClinVar:

ClinVar aggregate classification (germline): Likely benign. Review status: criteria provided, single submitter (1 of 4 stars). 2 submissions from 2 submitters: Likely benign (1). 1 of the submissions does not count toward it. Last evaluated 2018-07-31.

Conditions:
LIPE-related disorder. Also called: LIPE-related condition.

Allele frequency attached by ClinVar (database versions not stated): 1000 Genomes Project 30x 0.00047; gnomAD exomes 0.00068 and 0.00128; gnomAD 0.00071 and 0.00069; 1000 Genomes Project 0.00060; TOPMed 0.00070; ExAC 0.00072; ESP Exome Variant Server 0.00092.
gnomAD v4.1: 1,884 of 1,531,518 alleles (0.12%); highest among the groups gnomAD compares: Non-Finnish European, 0.15%; 2 homozygotes.

Submissions (2):

Labcorp Genetics (formerly Invitae), Labcorp
Classification: Likely benign. Last evaluated: 2018-07-31. Review status: criteria provided, single submitter. Criteria: Invitae Variant Classification Sherloc (09022015). Collection method: clinical testing. Allele origin: germline.

PreventionGenetics, part of Exact Sciences
Classification: Likely benign for LIPE-related condition. Last evaluated: 2019-03-22. Review status: no assertion criteria provided. Collection method: clinical testing. Allele origin: germline. Not counted in ClinVar's aggregate classification.
Comment: This variant is classified as likely benign based on ACMG/AMP sequence variant interpretation guidelines (Richards et al. 2015 PMID: 25741868, with internal and published modifications).

NM_005357.4(LIPE):c.2880C>T (p.Tyr960=)

Genes: LIPE (lipase E, hormone sensitive type; minus strand), LIPE-AS1 (LIPE antisense RNA 1; plus strand), LOC101930071 (uncharacterized LOC101930071; plus strand). Cytogenetic location: 19q13.2.
Variant type: single nucleotide variant.
Coding change: c.2880C>T on transcript NM_005357.4 (MANE Select); coding-DNA position 2880, C replaced by T.
Protein change: p.Tyr960=; no amino-acid change (tyrosine 960 retained).
Molecular consequence: synonymous variant.
Genome position (GRCh38, 1-based): chr19:42,402,694, G>A on the plus strand (C>T on the coding strand, the complement: LIPE is on the minus strand). VCF-style: chr19-42402694-G-A. GRCh37 (hg19) VCF-style: chr19-42906846-G-A.
Identifiers: ClinVar variation 719524 (VCV000719524.5), dbSNP rs140658352, ClinGen allele CA9476621.